The following is an entry in ClinVar:

NM_001282225.2(ADA2):c.856A>G (p.Ile286Val)

Gene: ADA2 (adenosine deaminase 2; minus strand). Cytogenetic location: 22q11.1.
Variant type: single nucleotide variant.
Coding change: c.856A>G on transcript NM_001282225.2 (MANE Select); coding-DNA position 856, A replaced by G.
Protein change: p.Ile286Val; replaces isoleucine 286 with valine.
Molecular consequence: missense variant.
Genome position (GRCh38, 1-based): chr22:17,191,708, T>C on the plus strand (A>G on the coding strand, the complement: ADA2 is on the minus strand). VCF-style: chr22-17191708-T-C. GRCh37 (hg19) VCF-style: chr22-17672598-T-C.
Other names: c.856A>G, p.Ile286Val (NM_001282226.2); c.730A>G, p.Ile244Val (NM_001282227.2, NM_001282228.2); c.496A>G, p.Ile166Val (NM_001282229.2); c.133A>G, p.Ile45Val (NM_177405.3); short protein forms I166V, I244V, I286V, I45V.
Identifiers: ClinVar variation 1427460 (VCV001427460.10), dbSNP rs755614060, ClinGen allele CA10088082.
Genomic context (GRCh38, chr22:17,191,708, plus strand): 5'-CCCAACCCGAGCTTTTCAGCAATATTCTCTCTCACCTGTGATCCGAATAAATGATTTTGA[T>C]TCCAATAAACTCAGGGTGAGTTTCCACAAACTTCTGAGCTACTTCCTGGTAAGTCTTCAC-3'
Protein context (NP_001269154.1, residues 276-296): FVETHPEFIG[Ile286Val]KIIYSDHRSK

ClinVar aggregate classification (germline): Uncertain significance (1 of 4 stars; one submission).

Conditions:
Deficiency of adenosine deaminase 2. Also called: Polyarteritis nodosa, childhoood-onset; Adenosine Deaminase 2 Deficiency; VASCULITIS, AUTOINFLAMMATION, IMMUNODEFICIENCY, AND HEMATOLOGIC DEFECTS SYNDROME. Identifiers: Orphanet 404553, MedGen C3887654, MONDO:0014306, OMIM 615688, MONDO:0100317.

Allele frequency attached by ClinVar (database versions not stated): gnomAD exomes below 0.00001 and 0.00001; ExAC 0.00002.
gnomAD v4.1: 6 of 1,614,110 alleles (0.00037%); highest among the groups gnomAD compares: Non-Finnish European, 0.00051%; no homozygotes.

Submission:

Labcorp Genetics (formerly Invitae), Labcorp
Classification: Uncertain significance for Deficiency of adenosine deaminase 2. Last evaluated: 2021-06-28. Review status: criteria provided, single submitter. Criteria: Invitae Variant Classification Sherloc (09022015). Collection method: clinical testing. Allele origin: germline.
Comment: In summary, the available evidence is currently insufficient to determine the role of this variant in disease. Therefore, it has been classified as a Variant of Uncertain Significance. Algorithms developed to predict the effect of missense changes on protein structure and function (SIFT, PolyPhen-2, Align-GVGD) all suggest that this variant is likely to be tolerated, but these predictions have not been confirmed by published functional studies and their clinical significance is uncertain. This variant has not been reported in the literature in individuals with ADA2-related conditions. This variant is present in population databases (rs755614060, ExAC 0.003%). This sequence change replaces isoleucine with valine at codon 286 of the ADA2 protein (p.Ile286Val). The isoleucine residue is moderately conserved and there is a small physicochemical difference between isoleucine and valine.